The following is an entry in ClinVar:

ClinVar aggregate classification (germline): Conflicting classifications of pathogenicity. Review status: criteria provided, conflicting classifications (1 of 4 stars). 6 submissions from 6 submitters: Uncertain significance (1); Benign (2); Likely benign (1). 2 of the submissions do not count toward it. Last evaluated 2026-08-01.

Allele frequency attached by ClinVar (database versions not stated): 1000 Genomes Project 30x 0.00172; 1000 Genomes Project 0.00180; gnomAD exomes 0.00308 and 0.00466; gnomAD 0.00312 and 0.00320; ExAC 0.00316; TOPMed 0.00324; ESP Exome Variant Server 0.00384.
gnomAD v4.1: 7,211 of 1,614,098 alleles (0.45%); highest among the groups gnomAD compares: Non-Finnish European, 0.54%; 27 homozygotes.

Submissions (6):

CeGaT Center for Human Genetics Tuebingen
Classification: Likely benign. Last evaluated: 2026-08-01. Review status: criteria provided, single submitter. Criteria: CeGaT Center For Human Genetics Tuebingen Variant Classification Criteria Version 2. Collection method: clinical testing. Allele origin: germline. Affected: yes. Observed: 59 variant alleles.
Comment: KIF1B: BP4, BS2

ARUP Laboratories, Molecular Genetics and Genomics, ARUP Laboratories
Classification: Benign. Last evaluated: 2024-05-31. Review status: criteria provided, single submitter. Criteria: ARUP Molecular Germline Variant Investigation Process 2024. Collection method: clinical testing. Allele origin: germline.

Institute for Clinical Genetics, University Hospital TU Dresden, University Hospital TU Dresden
Classification: Uncertain significance. Last evaluated: 2021-11-03. Review status: criteria provided, single submitter. Criteria: ACMG Guidelines, 2015. Collection method: clinical testing. Allele origin: germline.

Eurofins Ntd Llc (ga)
Classification: Benign. Last evaluated: 2015-10-21. Review status: criteria provided, single submitter. Criteria: EGL Classification Definitions 2015. Collection method: clinical testing. Allele origin: germline. Observed: 1 variant allele, 1 heterozygote.

Clinical Genetics, Academic Medical Center
Classification: Benign. Review status: no assertion criteria provided. Collection method: clinical testing. Allele origin: germline. Affected: yes. Study: VKGL Data-share Consensus. Not counted in ClinVar's aggregate classification.

Genome Diagnostics Laboratory, University Medical Center Utrecht
Classification: Likely benign. Review status: no assertion criteria provided. Collection method: clinical testing. Allele origin: germline. Affected: yes. Study: VKGL Data-share Consensus. Not counted in ClinVar's aggregate classification.

NM_001365951.3(KIF1B):c.2115+7031T>C

Gene: KIF1B (kinesin family member 1B; plus strand). Cytogenetic location: 1p36.22.
Variant type: single nucleotide variant.
Coding change: c.2115+7031T>C on transcript NM_001365951.3 (MANE Select); 7031 bases into the intron after coding-DNA position 2115, T replaced by C.
Molecular consequence: intron variant. On other transcripts: missense variant (2).
Genome position (GRCh38, 1-based): chr1:10,304,277, T>C. VCF-style: chr1-10304277-T-C. GRCh37 (hg19) VCF-style: chr1-10364335-T-C.
Other names: c.3092T>C, p.Ile1031Thr (NM_001365953.1, NM_183416.4); c.1977+7031T>C (NM_015074.3); c.2115+7031T>C (NM_001365952.1); short protein forms I1031T.
Identifiers: ClinVar variation 284016 (VCV000284016.44), dbSNP rs149267056, ClinGen allele CA581366.